The following is an entry in ClinVar:

NM_002180.3(IGHMBP2):c.1693G>A (p.Asp565Asn)

Gene: IGHMBP2 (immunoglobulin mu DNA binding protein 2; plus strand). Cytogenetic location: 11q13.3.
Variant type: single nucleotide variant.
Coding change: c.1693G>A on transcript NM_002180.3 (MANE Select); coding-DNA position 1693, G replaced by A.
Protein change: p.Asp565Asn; replaces aspartic acid 565 with asparagine.
Molecular consequence: missense variant.
Genome position (GRCh38, 1-based): chr11:68,935,359, G>A. VCF-style: chr11-68935359-G-A. GRCh37 (hg19) VCF-style: chr11-68702827-G-A.
Other names: short protein forms D565N.
Identifiers: ClinVar variation 581680 (VCV000581680.62), dbSNP rs770111639, ClinGen allele CA6153741.

ClinVar aggregate classification (germline): Pathogenic/Likely pathogenic. Review status: criteria provided, multiple submitters, no conflicts (2 of 4 stars). 9 submissions from 9 submitters: Pathogenic (3); Likely pathogenic (4). 2 of the submissions do not count toward it. Last evaluated 2026-06-22.

Conditions:
Distal spinal muscular atrophy. Also called: Distal hereditary motor neuronopathy; Distal hereditary motor neuropathy. Identifiers: Orphanet 53739, MedGen C0393541, MONDO:0018894.
IGHMBP2-related disorder. Also called: IGHMBP2-related disorders; IGHMBP2-related condition.
Inborn genetic diseases. Identifiers: MedGen C0950123, MeSH D030342.
Charcot-Marie-Tooth disease axonal type 2S. Also called: CHARCOT-MARIE-TOOTH NEUROPATHY, TYPE 2S; CHARCOT-MARIE-TOOTH DISEASE, AXONAL, AUTOSOMAL RECESSIVE, TYPE 2S. Identifiers: Orphanet 443073, MedGen C4015349, MONDO:0014511, OMIM 616155.
Autosomal recessive distal spinal muscular atrophy 1. Also called: HMN VI; NEURONOPATHY, SEVERE INFANTILE AXONAL, WITH RESPIRATORY FAILURE; SEVERE INFANTILE AXONAL NEUROPATHY WITH RESPIRATORY FAILURE; SPINAL MUSCULAR ATROPHY, DIAPHRAGMATIC; Spinal muscular atrophy with respiratory distress 1; NEURONOPATHY, DISTAL HEREDITARY MOTOR, HARDING TYPE VI. Identifiers: Orphanet 98920, MedGen C1858517, MONDO:0011436, OMIM 604320.

Allele frequency attached by ClinVar (database versions not stated): ExAC 0.00002; gnomAD 0.00002 and 0.00003; gnomAD exomes 0.00002; TOPMed 0.00002.
gnomAD v4.1: 35 of 1,614,040 alleles (0.0022%); highest among the groups gnomAD compares: African/African-American, 0.0027%; no homozygotes.

Submissions (9):

PreventionGenetics, part of Exact Sciences
Classification: Likely pathogenic for IGHMBP2-related condition. Last evaluated: 2026-06-22. Review status: criteria provided, single submitter. Criteria: ACMG Guidelines, 2015. Collection method: clinical testing. Allele origin: germline.
Comment: The IGHMBP2 c.1693G>A variant is predicted to result in the amino acid substitution p.Asp565Asn. This variant has been reported with other causative IGHMBP2 variants in multiple individuals with spinal muscular atrophy with respiratory distress (Grohmann et al. 2003. PubMed ID: 14681881; Maystadt et al. 2004. PubMed ID: 15108294; Gao et al. 2019. PubMed ID: 31178897). This variant is reported in 0.0096% of alleles in individuals of Ashkenazi Jewish descent in gnomAD. In vitro experimental studies suggest this variant abolishes the helicase activity (Guenther et al. 2009. PubMed ID: 19158098; Vadla et al. 2024. PubMed ID: 38403020). This variant is interpreted as likely pathogenic.

GeneDx
Classification: Pathogenic. Last evaluated: 2025-02-02. Review status: criteria provided, single submitter. Criteria: GeneDx Variant Classification Process June 2021. Collection method: clinical testing. Allele origin: germline. Affected: yes.
Comment: In silico analysis supports that this missense variant has a deleterious effect on protein structure/function; Not observed at significant frequency in large population cohorts (gnomAD); This variant is associated with the following publications: (PMID: 22965130, 31178897, 34986626, Schlicke_2006_Abstract, 22157136, Zhang_2017, 34726235, 39461706, 38403020, 39119929, 38672198, 19158098, 24388491, 25439726, 15108294, 14681881)

Labcorp Genetics (formerly Invitae), Labcorp
Classification: Pathogenic for Autosomal recessive distal spinal muscular atrophy 1; Charcot-Marie-Tooth disease axonal type 2S. Last evaluated: 2024-10-15. Review status: criteria provided, single submitter. Criteria: Invitae Variant Classification Sherloc (09022015). Collection method: clinical testing. Allele origin: germline.
Comment: This sequence change replaces aspartic acid, which is acidic and polar, with asparagine, which is neutral and polar, at codon 565 of the IGHMBP2 protein (p.Asp565Asn). This variant is present in population databases (rs770111639, gnomAD 0.01%). This missense change has been observed in individual(s) with distal hereditary motor neuropathy, type VI (PMID: 14681881, 15108294, 22157136). In at least one individual the data is consistent with being in trans (on the opposite chromosome) from a pathogenic variant. ClinVar contains an entry for this variant (Variation ID: 581680). Invitae Evidence Modeling of protein sequence and biophysical properties (such as structural, functional, and spatial information, amino acid conservation, physicochemical variation, residue mobility, and thermodynamic stability) indicates that this missense variant is expected to disrupt IGHMBP2 protein function with a positive predictive value of 95%. Experimental studies have shown that this missense change affects IGHMBP2 function (PMID: 19158098, 22157136). For these reasons, this variant has been classified as Pathogenic.

Fulgent Genetics
Classification: Likely pathogenic for Autosomal recessive distal spinal muscular atrophy 1; Charcot-Marie-Tooth disease axonal type 2S. Last evaluated: 2024-05-07. Review status: criteria provided, single submitter. Criteria: ACMG Guidelines, 2015. Collection method: clinical testing. Allele origin: germline.

Women's Health and Genetics/Laboratory Corporation of America, LabCorp
Classification: Likely pathogenic for Charcot-Marie-Tooth disease axonal type 2S. Last evaluated: 2024-05-01. Review status: criteria provided, single submitter. Criteria: LabCorp Variant Classification Summary - May 2015. Collection method: clinical testing. Allele origin: germline.
Comment: Variant summary: IGHMBP2 c.1693G>A (p.Asp565Asn) results in a conservative amino acid change located in the DNA2/NAM7 helicase-like, C-terminal domain (IPR041679) of the encoded protein sequence. Four of five in-silico tools predict a damaging effect of the variant on protein function. The variant allele was found at a frequency of 2.4e-05 in 251404 control chromosomes. c.1693G>A has been reported in the literature in at-least two individuals affected with Charcot-Marie-Tooth Disease, Axonal, Type 2S and Spinal Muscular Atrophy with Respiratory Distress (examples, Maystadt_2004, Xiao_2022, Gao_2019). These data indicate that the variant may be associated with disease. At least one publication reports experimental evidence evaluating an impact on protein function. The most pronounced variant effect results in completely inactive in the helicase assay, but still retained its full nucleic acid binding capacity in FM3A cells (Guenther_2009). The following publications have been ascertained in the context of this evaluation (PMID: 34986626, 31178897, 19158098, 15108294). ClinVar contains an entry for this variant (Variation ID: 581680). Based on the evidence outlined above, the variant was classified as likely pathogenic.

CeGaT Center for Human Genetics Tuebingen
Classification: Pathogenic. Last evaluated: 2023-05-01. Review status: criteria provided, single submitter. Criteria: CeGaT Center For Human Genetics Tuebingen Variant Classification Criteria Version 2. Collection method: clinical testing. Allele origin: germline. Affected: yes. Observed: 2 variant alleles.
Comment: IGHMBP2: PM3:Very Strong, PM2, PP3, PS3:Supporting

Ambry Genetics
Classification: Likely pathogenic for Inborn genetic diseases. Last evaluated: 2021-05-12. Review status: criteria provided, single submitter. Criteria: Ambry Variant Classification Scheme 2023. Collection method: clinical testing. Allele origin: germline.
Comment: The c.1693G>A (p.D565N) alteration is located in exon 12 (coding exon 12) of the IGHMBP2 gene. This alteration results from a G to A substitution at nucleotide position 1693, causing the aspartic acid (D) at amino acid position 565 to be replaced by an asparagine (N). Based on data from the Genome Aggregation Database (gnomAD) database, the IGHMBP2 c.1693G>A alteration was observed in 0.002% (7/282810) of total alleles studied, with a frequency of 0.01% (1/10370) in the Ashkenazi Jewish subpopulation. This alteration has been reported in trans with a pathogenic alteration in an individual with spinal muscular atrophy 1 with respiratory distress (SMARD1) (Maystadt, 2004). It was also reported in trans with a different alteration in a child with developmental delay, motor deterioration, myotonia, reduced tendon reflexes, slurred speech, abnormal posturing, poor fine motor coordination, peripheral neuropathy, talipes equinovarus, and EMG abnormality (Gao, 2019). This amino acid position is highly conserved in available vertebrate species. This alteration has also been shown to impair protein function (Eckart, 2012; Guenther, 2009). The in silico prediction for the p.D565N alteration is inconclusive. Based on the available evidence, this alteration is classified as likely pathogenic.

Biochemistry Laboratory of CDMU, Chengde Medical University
Classification: Likely pathogenic for Charcot-Marie-Tooth disease axonal type 2S. Review status: no assertion criteria provided. Criteria: ACMG Guidelines, 2015. Collection method: case-control. Allele origin: inherited. Affected: yes. Not counted in ClinVar's aggregate classification.

Inherited Neuropathy Consortium
Classification: Uncertain significance for Distal spinal muscular atrophy. Review status: no assertion criteria provided. Collection method: literature only. Allele origin: germline. Affected: yes. Not counted in ClinVar's aggregate classification.

Literature cited by the submitters: PubMed 14681881 (cited by Labcorp Genetics (formerly Invitae), Labcorp and Inherited Neuropathy Consortium); PubMed 15108294 (cited by 3 submitters); PubMed 22157136 (cited by Labcorp Genetics (formerly Invitae), Labcorp and Ambry Genetics); PubMed 19158098 (cited by 3 submitters); PubMed 31178897 (cited by Women's Health and Genetics/Laboratory Corporation of America, LabCorp and Ambry Genetics); PubMed 34986626 (cited by Women's Health and Genetics/Laboratory Corporation of America, LabCorp).